The following is an entry in ClinVar:

NM_032638.5(GATA2):c.4G>C (p.Glu2Gln)

Gene: GATA2 (GATA binding protein 2; minus strand). Cytogenetic location: 3q21.3.
Variant type: single nucleotide variant.
Coding change: c.4G>C on transcript NM_032638.5 (MANE Select); coding-DNA position 4, G replaced by C.
Protein change: p.Glu2Gln; replaces glutamic acid 2 with glutamine.
Molecular consequence: missense variant.
Genome position (GRCh38, 1-based): chr3:128,487,028, C>G on the plus strand (G>C on the coding strand, the complement: GATA2 is on the minus strand). VCF-style: chr3-128487028-C-G. GRCh37 (hg19) VCF-style: chr3-128205871-C-G.
Other names: c.4G>C, p.Glu2Gln (NM_001145661.2, NM_001145662.1); short protein forms E2Q.
Identifiers: ClinVar variation 1410280 (VCV001410280.8), dbSNP rs2107673807, ClinGen allele CA354409364.

ClinVar aggregate classification (germline): Uncertain significance (1 of 4 stars; one submission).

Conditions:
Deafness-lymphedema-leukemia syndrome. Also called: Lymphedema, primary, with myelodysplasia; Emberger syndrome. Identifiers: Orphanet 3226, MedGen C3279664, MONDO:0013540, OMIM 614038.
Monocytopenia with susceptibility to infections. Also called: Dendritic cell, monocyte, B lymphocyte, and natural killer lymphocyte deficiency; MONOCYTOPENIA AND MYCOBACTERIAL INFECTION SYNDROME; MONOCYTOPENIA WITH SUSCEPTIBILITY TO MYCOBACTERIAL, FUNGAL, AND PAPILLOMAVIRUS INFECTIONS AND MYELODYSPLASIA; COMBINED IMMUNODEFICIENCY WITH SUSCEPTIBILITY TO MYCOBACTERIAL, VIRAL, AND FUNGAL INFECTIONS; IMMUNODEFICIENCY 21; GATA2 DEFICIENCY. Identifiers: Orphanet 228423, MedGen C3280030, MONDO:0013607, OMIM 614172.

Submission:

Labcorp Genetics (formerly Invitae), Labcorp
Classification: Uncertain significance for Monocytopenia with susceptibility to infections; Deafness-lymphedema-leukemia syndrome. Last evaluated: 2021-04-11. Review status: criteria provided, single submitter. Criteria: Invitae Variant Classification Sherloc (09022015). Collection method: clinical testing. Allele origin: germline.
Comment: In summary, the available evidence is currently insufficient to determine the role of this variant in disease. Therefore, it has been classified as a Variant of Uncertain Significance. Algorithms developed to predict the effect of missense changes on protein structure and function are either unavailable or do not agree on the potential impact of this missense change (SIFT: "Tolerated"; PolyPhen-2: "Probably Damaging"; Align-GVGD: "Class C0"). This variant has not been reported in the literature in individuals with GATA2-related conditions. This variant is not present in population databases (ExAC no frequency). This sequence change replaces glutamic acid with glutamine at codon 2 of the GATA2 protein (p.Glu2Gln). The glutamic acid residue is moderately conserved and there is a small physicochemical difference between glutamic acid and glutamine.